The following is an entry in ClinVar:

ClinVar aggregate classification (germline): Pathogenic (1 of 4 stars; one submission).

Submission:

GeneDx
Classification: Pathogenic. Last evaluated: 2017-04-04. Review status: criteria provided, single submitter. Criteria: GeneDx Variant Classification (06012015). Collection method: clinical testing. Allele origin: germline. Affected: yes.
Comment: The c.7079delC pathogenic variant in the C5orf42 gene causes a frameshift starting with codon Proline 2360, changes this amino acid to a Arginine residue and creates a premature Stop codon at position 31 of the new reading frame, denoted p.Pro2360ArgfsX31. This variant is predicted to cause loss of normal protein function either through protein truncation or nonsense-mediated mRNA decay. It is not observed in large population cohorts (Lek et al., 2016; 1000 Genomes Consortium et al., 2015; Exome Variant Server). Many other frameshift and loss-of-function variants have been reported in the Human Gene Mutation Database in association with Joubert syndrome and related disorders (Stenson et al., 2014). Although the c.7079delC variant has not been previously reported to our knowledge, it is interpreted to be a pathogenic variant.

NM_001384732.1(CPLANE1):c.7079del (p.Pro2360fs)

Gene: CPLANE1 (ciliogenesis and planar polarity effector complex subunit 1; minus strand). Cytogenetic location: 5p13.2.
Variant type: Deletion.
Coding change: c.7079del on transcript NM_001384732.1 (MANE Select); coding-DNA position 7079, one base deleted (C; older notation c.7079delC).
Protein change: p.Pro2360fs; shifts the reading frame from proline 2360.
Molecular consequence: frameshift variant.
Genome position (GRCh38, 1-based): chr5:37,168,945, G deleted on the plus strand (C on the coding strand, the reverse complement: CPLANE1 is on the minus strand); the first of 2 consecutive G bases (chr5:37,168,945-37,168,946); deleting either gives the same sequence. VCF-style (leftmost placement, unchanged base first): chr5-37168944-CG-C. GRCh37 (hg19) VCF-style: chr5-37169046-CG-C.
Other names: c.7079del, p.Pro2360fs (NM_023073.4); c.7079delC (NM_023073.3); short protein forms P2360fs.
Identifiers: ClinVar variation 426780 (VCV000426780.2), dbSNP rs1085307795, ClinGen allele CA645294037.